The following is an entry in ClinVar:

NM_000447.3(PSEN2):c.203T>C (p.Val68Ala)

Gene: PSEN2 (presenilin 2; plus strand). Cytogenetic location: 1q42.13.
Variant type: single nucleotide variant.
Coding change: c.203T>C on transcript NM_000447.3 (MANE Select); coding-DNA position 203, T replaced by C.
Protein change: p.Val68Ala; replaces valine 68 with alanine.
Molecular consequence: missense variant.
Genome position (GRCh38, 1-based): chr1:226,883,766, T>C. VCF-style: chr1-226883766-T-C. GRCh37 (hg19) VCF-style: chr1-227071467-T-C.
Other names: c.203T>C, p.Val68Ala (NM_012486.3); short protein forms V68A.
Identifiers: ClinVar variation 1054623 (VCV001054623.10), dbSNP rs765144719, ClinGen allele CA1424436.

ClinVar aggregate classification (germline): Uncertain significance. Review status: criteria provided, multiple submitters, no conflicts (2 of 4 stars). 2 submissions from 2 submitters: Uncertain significance (2). Last evaluated 2021-08-18.

Conditions:
Alzheimer disease 4 (AD4). Identifiers: Orphanet 1020, MedGen C1847200, MONDO:0011743, OMIM 606889.
Dilated cardiomyopathy 1V (CMD1V). Identifiers: Orphanet 154, MedGen C3150958, MONDO:0013373, OMIM 613697.

Allele frequency attached by ClinVar (database versions not stated): ExAC 0.00001; gnomAD 0.00001; TOPMed 0.00001; gnomAD exomes 0.00002.

Submissions (2):

Fulgent Genetics
Classification: Uncertain significance for Alzheimer disease 4; Dilated cardiomyopathy 1V. Last evaluated: 2021-08-18. Review status: criteria provided, single submitter. Criteria: ACMG Guidelines, 2015. Collection method: clinical testing. Allele origin: unknown.

Labcorp Genetics (formerly Invitae), Labcorp
Classification: Uncertain significance for Alzheimer disease 4. Last evaluated: 2020-03-11. Review status: criteria provided, single submitter. Criteria: Invitae Variant Classification Sherloc (09022015). Collection method: clinical testing. Allele origin: germline.
Comment: This sequence change replaces valine with alanine at codon 68 of the PSEN2 protein (p.Val68Ala). The valine residue is moderately conserved and there is a small physicochemical difference between valine and alanine. This variant is present in population databases (rs765144719, ExAC 0.006%). This variant has not been reported in the literature in individuals with PSEN2-related conditions. Algorithms developed to predict the effect of missense changes on protein structure and function (SIFT, PolyPhen-2, Align-GVGD) all suggest that this variant is likely to be tolerated, but these predictions have not been confirmed by published functional studies and their clinical significance is uncertain. In summary, the available evidence is currently insufficient to determine the role of this variant in disease. Therefore, it has been classified as a Variant of Uncertain Significance.